The following is an entry in ClinVar:

ClinVar aggregate classification (germline): Pathogenic/Likely pathogenic. Review status: criteria provided, multiple submitters, no conflicts (2 of 4 stars). 3 submissions from 3 submitters: Pathogenic (1); Likely pathogenic (2). Last evaluated 2024-02-24.

Conditions:
Treacher Collins syndrome 3 (TCS3). Also called: POLR1C-Related Treacher Collins Syndrome. Identifiers: Orphanet 861, MedGen C1855433, MONDO:0009558, OMIM 248390.
Leukodystrophy, hypomyelinating, 11. Identifiers: Orphanet 88637, MedGen C4225305, MONDO:0014666, OMIM 616494.

Submissions (3):

Fulgent Genetics
Classification: Likely pathogenic for Treacher Collins syndrome 3; Leukodystrophy, hypomyelinating, 11. Last evaluated: 2024-02-24. Review status: criteria provided, single submitter. Criteria: ACMG Guidelines, 2015. Collection method: clinical testing. Allele origin: germline.

Centre for Mendelian Genomics, University Medical Centre Ljubljana
Classification: Pathogenic for Leukodystrophy, hypomyelinating, 11. Last evaluated: 2019-05-07. Review status: criteria provided, single submitter. Criteria: ACMG Guidelines, 2015. Collection method: clinical testing. Allele origin: unknown. Affected: yes.
Comment: This variant was classified as: Pathogenic. The following ACMG criteria were applied in classifying this variant: PVS1,PS1,PM2.

Soonchunhyang University Bucheon Hospital, Soonchunhyang University Medical Center
Classification: Likely pathogenic for Treacher Collins syndrome 3. Last evaluated: 2016-03-18. Review status: criteria provided, single submitter. Criteria: ACMG Guidelines, 2015. Collection method: reference population. Allele origin: germline. Observed: 1 variant allele.

Literature cited by the submitters: PubMed 21131976 (cited by Soonchunhyang University Bucheon Hospital, Soonchunhyang University Medical Center).

NM_203290.4(POLR1C):c.525del (p.Thr174_Trp175insTer)

Gene: POLR1C (RNA polymerase I and III subunit C; plus strand). Cytogenetic location: 6p21.1.
Variant type: Deletion.
Coding change: c.525del on transcript NM_203290.4 (MANE Select); coding-DNA position 525, one base deleted (G; older notation c.525delG).
Protein change: p.Thr174_Trp175insTer.
Molecular consequence: nonsense.
Genome position (GRCh38, 1-based): chr6:43,520,297, G deleted; the last of 2 consecutive G bases (chr6:43,520,296-43,520,297); deleting either gives the same sequence. VCF-style (leftmost placement, unchanged base first): chr6-43520295-TG-T. GRCh37 (hg19) VCF-style: chr6-43488033-TG-T.
Other names: c.525del, p.Thr174_Trp175insTer (NM_001318876.2, NM_001363658.2).
Identifiers: ClinVar variation 225445 (VCV000225445.5), dbSNP rs780663139, ClinGen allele CA3825480.